The following is an entry in ClinVar:

ClinVar aggregate classification (germline): Uncertain significance. Review status: criteria provided, multiple submitters, no conflicts (2 of 4 stars). 2 submissions from 2 submitters: Uncertain significance (2). Last evaluated 2025-12-03.

gnomAD v4.1: 19 of 1,613,974 alleles (0.0012%); highest among the groups gnomAD compares: African/African-American, 0.011%; no homozygotes.

Submissions (2):

Ambry Genetics
Classification: Uncertain significance. Last evaluated: 2025-12-03. Review status: criteria provided, single submitter. Criteria: Ambry Variant Classification Scheme 2023. Collection method: clinical testing. Allele origin: germline.

Dasa
Classification: Uncertain significance. Last evaluated: 2025-07-29. Review status: criteria provided, single submitter. Criteria: DASA Assertion Criteria. Collection method: clinical testing. Allele origin: germline.
Comment: NM_001447.3(FAT2):c.9334C>T (p.Arg3112Trp) is a missense variant that results in the substitution of arginine with tryptophan. This variant is rare in population databases. Computational prediction algorithms are consistent with a benign effect. The currently available literature and clinical evidence are not sufficient to establish a definitive association between this variant and the reported condition. Therefore, this variant is classified as a variant of uncertain significance.

NM_001447.3(FAT2):c.9334C>T (p.Arg3112Trp)

Genes: FAT2 (FAT atypical cadherin 2; minus strand), SLC36A1 (solute carrier family 36 member 1; plus strand). Cytogenetic location: 5q33.1.
Variant type: single nucleotide variant.
Coding change: c.9334C>T on transcript NM_001447.3 (MANE Select); coding-DNA position 9334, C replaced by T.
Protein change: p.Arg3112Trp; replaces arginine 3112 with tryptophan.
Molecular consequence: missense variant.
Genome position (GRCh38, 1-based): chr5:151,534,502, G>A on the plus strand (C>T on the coding strand, the complement: FAT2 is on the minus strand). VCF-style: chr5-151534502-G-A. GRCh37 (hg19) VCF-style: chr5-150914063-G-A.
Other names: short protein forms R3112W.
Identifiers: ClinVar variation 4667114 (VCV004667114.3).
Genomic context (GRCh38, chr5:151,534,502, plus strand): 5'-CAGGGGTCTTCACTGTGGTGTTGTCGAAGACAGCCACAGCACAGTGGCTGGGGAAGAACC[G>A]CGGGGCATTGTCATTCACATCCTCCACATGGAGGGTGATGTCTGCCTGGCACGATCGGCC-3'
Protein context (NP_001438.1, residues 3102-3122): HVEDVNDNAP[Arg3112Trp]FFPSHCAVAV